The following is an entry in ClinVar:

ClinVar aggregate classification (germline): Likely pathogenic (1 of 4 stars; one submission).

Submission:

Mayo Clinic Laboratories, Mayo Clinic
Classification: Likely pathogenic. Last evaluated: 2024-06-25. Review status: criteria provided, single submitter. Criteria: ACMG Guidelines, 2015. Collection method: clinical testing. Allele origin: germline. Observed: 1 variant allele.
Comment: PM2, PVS1

NM_020821.3(VPS13C):c.7739_7745del (p.His2580fs)

Gene: VPS13C (vacuolar protein sorting 13 homolog C; minus strand). Cytogenetic location: 15q22.2.
Variant type: Deletion.
Coding change: c.7739_7745del on transcript NM_020821.3 (MANE Select); coding-DNA positions 7739 to 7745, 7 bases deleted (ATGTTCC; older notation c.7739_7745delATGTTCC).
Protein change: p.His2580fs; shifts the reading frame from histidine 2580.
Molecular consequence: frameshift variant.
Genome position (GRCh38, 1-based): chr15:61,918,151-61,918,157, GGAACAT deleted on the plus strand (ATGTTCC on the coding strand, the reverse complement: VPS13C is on the minus strand); deleting any 7 consecutive bases within chr15:61,918,151-61,918,162 gives the same sequence; the c. name uses the placement nearest the transcript's 3' end. VCF-style (leftmost placement, unchanged base first): chr15-61918150-AGGAACAT-A. GRCh37 (hg19) VCF-style: chr15-62210349-AGGAACAT-A.
Other names: p.His2580Leufs*2; c.7739_7745del, p.His2580fs (NM_001018088.3); c.7610_7616del, p.His2537fs (NM_017684.5, NM_018080.4); short protein forms H2537fs, H2580fs.
Identifiers: ClinVar variation 3381129 (VCV003381129.1).
Genomic context (GRCh38, chr15:61,918,150, plus strand): 5'-CCCAACTCAATACATTTAAAGTTTAATACATTTAAGAAGTATCTACCTATATGAATCTAA[AGGAACAT>A]GGAACTCCTCTTCAGGTCTGGCTATCCCAATGCGCTCCAATAGCTTAACATTCTTAACAA-3'